The following is an entry in ClinVar:

ClinVar aggregate classification (germline): Uncertain significance (1 of 4 stars; one submission).

Submission:

Ambry Genetics
Classification: Uncertain significance. Last evaluated: 2024-02-05. Review status: criteria provided, single submitter. Criteria: Ambry Variant Classification Scheme 2023. Collection method: clinical testing. Allele origin: germline.
Comment: The p.T83P variant (also known as c.247A>C), located in coding exon 3 of the STAP1 gene, results from an A to C substitution at nucleotide position 247. The threonine at codon 83 is replaced by proline, an amino acid with highly similar properties. This amino acid position is conserved. In addition, this alteration is predicted to be tolerated by in silico analysis. Based on the available evidence, the clinical significance of this alteration remains unclear.

NM_012108.4(STAP1):c.247A>C (p.Thr83Pro)

Genes: STAP1 (signal transducing adaptor family member 1; plus strand), LOC123477751 (Sharpr-MPRA regulatory region 12077; plus strand). Cytogenetic location: 4q13.2.
Variant type: single nucleotide variant.
Coding change: c.247A>C on transcript NM_012108.4 (MANE Select); coding-DNA position 247, A replaced by C.
Protein change: p.Thr83Pro; replaces threonine 83 with proline.
Molecular consequence: missense variant.
Genome position (GRCh38, 1-based): chr4:67,575,439, A>C. VCF-style: chr4-67575439-A-C. GRCh37 (hg19) VCF-style: chr4-68441157-A-C.
Other names: c.247A>C, p.Thr83Pro (NM_001317769.2); short protein forms T83P.
Identifiers: ClinVar variation 3226190 (VCV003226190.1), dbSNP rs772720957, ClinGen allele CA357047989.